The following is an entry in ClinVar:

ClinVar aggregate classification (germline): Uncertain significance (1 of 4 stars; one submission).

Conditions:
Peroxisome biogenesis disorder 7A (Zellweger). Also called: Peroxisome biogenesis disorder 7A. Identifiers: Orphanet 912, MedGen C3888385, MONDO:0013938, OMIM 614872.
Peroxisome biogenesis disorder 7B (PBD7B). Identifiers: Orphanet 44, MedGen C3553951, MONDO:0013939, OMIM 614873.

Submission:

Labcorp Genetics (formerly Invitae), Labcorp
Classification: Uncertain significance for Peroxisome biogenesis disorder 7A (Zellweger); Peroxisome biogenesis disorder 7B. Last evaluated: 2021-11-02. Review status: criteria provided, single submitter. Criteria: Invitae Variant Classification Sherloc (09022015). Collection method: clinical testing. Allele origin: germline.
Comment: In summary, the available evidence is currently insufficient to determine the role of this variant in disease. Therefore, it has been classified as a Variant of Uncertain Significance. Algorithms developed to predict the effect of missense changes on protein structure and function (SIFT, PolyPhen-2, Align-GVGD) all suggest that this variant is likely to be tolerated. This variant has not been reported in the literature in individuals affected with PEX26-related conditions. This variant is not present in population databases (gnomAD no frequency). This sequence change replaces glutamic acid, which is acidic and polar, with glycine, which is neutral and non-polar, at codon 214 of the PEX26 protein (p.Glu214Gly).

NM_001127649.3(PEX26):c.641A>G (p.Glu214Gly)

Gene: PEX26 (peroxisomal biogenesis factor 26; plus strand). Cytogenetic location: 22q11.21.
Variant type: single nucleotide variant.
Coding change: c.641A>G on transcript NM_001127649.3 (MANE Select); coding-DNA position 641, A replaced by G.
Protein change: p.Glu214Gly; replaces glutamic acid 214 with glycine.
Molecular consequence: missense variant.
Genome position (GRCh38, 1-based): chr22:18,083,706, A>G. VCF-style: chr22-18083706-A-G. GRCh37 (hg19) VCF-style: chr22-18566472-A-G.
Other names: c.641A>G, p.Glu214Gly (NM_001199319.2, NM_017929.6); short protein forms E214G.
Identifiers: ClinVar variation 1485410 (VCV001485410.6), dbSNP rs2123654686, ClinGen allele CA410268090.
Genomic context (GRCh38, chr22:18,083,706, plus strand): 5'-ATGTACTTCAGGCCATTCACACAGCGAGGCAGCAGCAGAAACAGGAACACTCAGGCTCTG[A>G]GGAGGCCCAGAAGCCAAACCTGGAAGGTAGGACATTATCCCTCTGCGACCTCTGTAAAGT-3'
Protein context (NP_001121121.1, residues 204-224): QQQKQEHSGS[Glu214Gly]EAQKPNLEGS